The following is an entry in ClinVar:

ClinVar aggregate classification (germline): Uncertain significance (1 of 4 stars; one submission).

Allele frequency attached by ClinVar (database versions not stated): TOPMed below 0.00001; gnomAD 0.00001; gnomAD exomes 0.00001.
gnomAD v4.1: 4 of 1,612,842 alleles (0.00025%); highest among the groups gnomAD compares: Admixed American, 0.0067%; no homozygotes.

Submission:

Labcorp Genetics (formerly Invitae), Labcorp
Classification: Uncertain significance. Last evaluated: 2023-03-13. Review status: criteria provided, single submitter. Criteria: Invitae Variant Classification Sherloc (09022015). Collection method: clinical testing. Allele origin: germline.
Comment: In summary, the available evidence is currently insufficient to determine the role of this variant in disease. Therefore, it has been classified as a Variant of Uncertain Significance. Algorithms developed to predict the effect of sequence changes on RNA splicing suggest that this variant may create or strengthen a splice site. This variant has not been reported in the literature in individuals affected with LAMTOR2-related conditions. This variant is present in population databases (no rsID available, gnomAD 0.003%). This sequence change affects codon 10 of the LAMTOR2 mRNA. It is a 'silent' change, meaning that it does not change the encoded amino acid sequence of the LAMTOR2 protein.

NM_014017.4(LAMTOR2):c.30G>A (p.Val10=)

Gene: LAMTOR2 (late endosomal/lysosomal adaptor, MAPK and MTOR activator 2; plus strand). Cytogenetic location: 1q22.
Variant type: single nucleotide variant.
Coding change: c.30G>A on transcript NM_014017.4 (MANE Select); coding-DNA position 30, G replaced by A.
Protein change: p.Val10=; no amino-acid change (valine 10 retained).
Molecular consequence: synonymous variant.
Genome position (GRCh38, 1-based): chr1:156,054,919, G>A. VCF-style: chr1-156054919-G-A. GRCh37 (hg19) VCF-style: chr1-156024710-G-A.
Other names: c.30G>A, p.Val10= (NM_001145264.2).
Identifiers: ClinVar variation 3016951 (VCV003016951.3), dbSNP rs1233178270, ClinGen allele CA421067637.
Genomic context (GRCh38, chr1:156,054,919, plus strand): 5'-GTGCAAAAGCCCAGGGTTAGGAACCGTAGGCATGCTGCGCCCCAAGGCTTTGACCCAGGT[G>A]CTAAGCCAAGCCAACACTGGAGGCGTCCAGAGCACCCTGTGAGTGCAGACCACGGACCCG-3'
Protein context (NP_054736.1, residues 1-20): MLRPKALTQ[Val10=]LSQANTGGVQ